The following is an entry in ClinVar:

NM_006516.4(SLC2A1):c.884C>T (p.Thr295Met)

Gene: SLC2A1 (solute carrier family 2 member 1; minus strand). Cytogenetic location: 1p34.2.
Variant type: single nucleotide variant.
Coding change: c.884C>T on transcript NM_006516.4 (MANE Select); coding-DNA position 884, C replaced by T.
Protein change: p.Thr295Met; replaces threonine 295 with methionine.
Molecular consequence: missense variant.
Genome position (GRCh38, 1-based): chr1:42,929,298, G>A on the plus strand (C>T on the coding strand, the complement: SLC2A1 is on the minus strand). VCF-style: chr1-42929298-G-A. GRCh37 (hg19) VCF-style: chr1-43394969-G-A.
Other names: p.T295M:ACG>ATG; short protein forms T295M.
Identifiers: ClinVar variation 207229 (VCV000207229.40), dbSNP rs80359823, ClinGen allele CA277218.
Genomic context (GRCh38, chr1:42,929,298, plus strand): 5'-ATACCGGAGCCAATGGTGGCATACACAGGCTGCTGCACCCCCGCCTTCTCGAAGATGCTC[G>A]TGGAGTAATAGAAGACCTGCCAGACAAGAGAAACTGTTGGGGCCTACCTGGACATTGTGG-3'
Protein context (NP_006507.2, residues 285-305): SGINAVFYYS[Thr295Met]SIFEKAGVQQ

ClinVar aggregate classification (germline): Pathogenic. Review status: criteria provided, multiple submitters, no conflicts (2 of 4 stars). 12 submissions from 12 submitters: Pathogenic (9). 3 of the submissions do not count toward it. Last evaluated 2025-10-01.

Conditions:
GLUT1 deficiency syndrome. Also called: GLUT1 DS; Glucose transporter type 1 deficiency syndrome. Identifiers: MedGen C1847501, MONDO:0000188.
SLC2A1-related disorder. Also called: SLC2A1-related condition; SLC2A1-related disorders.
GLUT1 deficiency syndrome 1, autosomal recessive. Identifiers: MedGen C3149117.
Encephalopathy due to GLUT1 deficiency. Also called: GLUT1 deficiency syndrome 1, infantile onset, severe; Classic Glucose Transporter Type 1 Deficiency Syndrome; GLUCOSE TRANSPORT DEFECT, BLOOD-BRAIN BARRIER; Glucose transporter protein syndrome; GLUT1 deficiency syndrome 1; De Vivo disease. Identifiers: Orphanet 71277, MedGen C4551966, MONDO:0011724, OMIM 606777.
Intellectual disability. Also called: Intellectual functioning disability; intellectual disabilities; Intellectual developmental disorder. Identifiers: MedGen C3714756, MeSH D008607, MONDO:0001071, HP:0001249.

Submissions (12):

Labcorp Genetics (formerly Invitae), Labcorp
Classification: Pathogenic for GLUT1 deficiency syndrome 1, autosomal recessive. Last evaluated: 2025-10-01. Review status: criteria provided, single submitter. Criteria: Invitae Variant Classification Sherloc (09022015). Collection method: clinical testing. Allele origin: germline.
Comment: This sequence change replaces threonine, which is neutral and polar, with methionine, which is neutral and non-polar, at codon 295 of the SLC2A1 protein (p.Thr295Met). This variant is not present in population databases (gnomAD no frequency). This missense change has been observed in individual(s) with autosomal dominant GLUT1 deficiency syndrome (PMID: 15622525, 16949238, 20630673). In at least one individual the variant was observed to be de novo. This variant is also known as 1063C>T. ClinVar contains an entry for this variant (Variation ID: 207229). Invitae Evidence Modeling of protein sequence and biophysical properties (such as structural, functional, and spatial information, amino acid conservation, physicochemical variation, residue mobility, and thermodynamic stability) indicates that this missense variant is expected to disrupt SLC2A1 protein function with a positive predictive value of 95%. Experimental studies have shown that this missense change affects SLC2A1 function (PMID: 17052934, 18614966). For these reasons, this variant has been classified as Pathogenic.

CeGaT Center for Human Genetics Tuebingen
Classification: Pathogenic. Last evaluated: 2024-12-01. Review status: criteria provided, single submitter. Criteria: CeGaT Center For Human Genetics Tuebingen Variant Classification Criteria Version 2. Collection method: clinical testing. Allele origin: germline. Affected: yes. Observed: 1 variant allele.
Comment: SLC2A1: PM1, PM2, PM5, PS2:Moderate, PS4:Moderate, PS3:Supporting

GeneDx
Classification: Pathogenic. Last evaluated: 2024-11-11. Review status: criteria provided, single submitter. Criteria: GeneDx Variant Classification Process June 2021. Collection method: clinical testing. Allele origin: germline. Affected: yes.
Comment: Published functional studies demonstrate a damaging effect on glucose transport activity (PMID: 17052934, 18614966, 24847886); In silico analysis supports that this missense variant has a deleterious effect on protein structure/function; Not observed at significant frequency in large population cohorts (gnomAD); This variant is associated with the following publications: (PMID: 21546317, 20630673, 22011817, 20830593, 23740044, 18614966, 24847886, 21649651, 19798636, 16949238, 21382692, 23280796, 25487684, 17718830, 22190371, 25982116, 20186957, 29303961, 28556183, 29655203, 32005694, 32591173, 36362347, 15622525, 17052934)

Blueprint Genetics
Classification: Pathogenic for SLC2A1-related disorders. Last evaluated: 2023-10-13. Review status: criteria provided, single submitter. Criteria: ACMG Guidelines, 2015. Collection method: clinical testing. Allele origin: germline. Affected: yes. Observed: 1 variant allele.

Genome-Nilou Lab
Classification: Pathogenic for Encephalopathy due to GLUT1 deficiency. Last evaluated: 2023-04-11. Review status: criteria provided, single submitter. Criteria: ACMG Guidelines, 2015. Collection method: clinical testing. Allele origin: germline. Affected: no.

Mayo Clinic Laboratories, Mayo Clinic
Classification: Pathogenic. Last evaluated: 2023-03-14. Review status: criteria provided, single submitter. Criteria: ACMG Guidelines, 2015. Collection method: clinical testing. Allele origin: germline. Observed: 1 variant allele.
Comment: PP1, PP3, PP4, PM1, PM2, PM5, PM6, PS3, PS4

Victorian Clinical Genetics Services, Murdoch Childrens Research Institute
Classification: Pathogenic for GLUT1 deficiency syndrome. Last evaluated: 2021-05-06. Review status: criteria provided, single submitter. Criteria: ACMG Guidelines, 2015. Collection method: clinical testing. Allele origin: germline. Inheritance: Autosomal dominant inheritance.
Comment: Based on the classification scheme VCGS_Germline_v1.3.4, this variant is classified as Pathogenic. Following criteria are met: 0102 - Loss of function is a known mechanism of disease in this gene and is associated with SLC2A1-related disease (OMIM), including GLUT1 deficiency syndrome (MIM# 606777). (I) 0107 - This gene is associated with autosomal dominant disease. Most individuals have autosomal dominant disease, but rare cases are described with an autosomal recessive mode of inheritance (PMID: 31196579). (I) 0112 - The condition associated with this gene has incomplete penetrance. Incomplete penetrance has been reported in families with GLUT1 deficiency syndrome or epilepsy, who were heterozygous for pathogenic missense variants (OMIM, PMID:18451999). (I) 0115 - Variants in this gene are known to have variable expressivity (PMID: 20129935). (I) 0200 - Variant is predicted to result in a missense amino acid change from threonine to methionine. (I) 0251 - This variant is heterozygous. (I) 0301 - Variant is absent from gnomAD (both v2 and v3). (SP) 0501 - Missense variant consistently predicted to be damaging by multiple in silico tools or highly conserved with a major amino acid change. (SP) 0600 - Variant is located in the annotated extracellular loop between transmembrane domains 7 and 8 (PMID: 15622525). (I) 0801 - This variant has strong previous evidence of pathogenicity in unrelated individuals. This variant has been reported as pathogenic, and observed in multiple heterozygous patients with either GLUT1 deficiency, episodic ataxia or paroxysmal exercise-induced dyskinesia (ClinVar, LOVD, PMID: 29930392, PMID: 33015236, PMID: 15622525, PMID: 26598494). In one of these individuals, the variant had arisen de novo (PMID: 15622525). (SP) 1002 - This variant has moderate functional evidence supporting abnormal protein function. Transfected CHO cells have demonstrated that this variant results in protein mislocalisation, and significantly impaired glucose transport activity (PMID: 17052934). (SP) 1208 - Inheritance information for this variant is not currently available in this individual. (I) Legend: (SP) - Supporting pathogenic, (I) - Information, (SB) - Supporting benign

Cambridge Genomics Laboratory, East Genomic Laboratory Hub, NHS Genomic Medicine Service
Classification: Pathogenic for Intellectual disability. Last evaluated: 2019-11-13. Review status: criteria provided, single submitter. Criteria: ACGS Best Practice Guidelines for Variant Classification in Rare Disease 2020. Collection method: clinical testing. Allele origin: germline. Affected: yes. Observed: 1 variant allele.

Genetic Services Laboratory, University of Chicago
Classification: Pathogenic for GLUT1 deficiency syndrome 1. Last evaluated: 2015-06-30. Review status: criteria provided, single submitter. Criteria: ACMG Guidelines, 2015. Collection method: clinical testing. Allele origin: germline. Affected: yes.

GeneReviews
No classification provided. Condition: Encephalopathy due to GLUT1 deficiency. Review status: no classification provided. Collection method: literature only. Allele origin: germline. Not counted in ClinVar's aggregate classification.

Genome Diagnostics Laboratory, Amsterdam University Medical Center
Classification: Pathogenic. Review status: no assertion criteria provided. Collection method: clinical testing. Allele origin: germline. Affected: yes. Study: VKGL Data-share Consensus. Not counted in ClinVar's aggregate classification.

Joint Genome Diagnostic Labs from Nijmegen and Maastricht, Radboudumc and MUMC+
Classification: Pathogenic. Review status: no assertion criteria provided. Collection method: clinical testing. Allele origin: germline. Affected: yes. Study: VKGL Data-share Consensus. Not counted in ClinVar's aggregate classification.

Literature cited by the submitters: PubMed 15622525 (cited by 3 submitters); PubMed 16949238 (cited by Labcorp Genetics (formerly Invitae), Labcorp and Mayo Clinic Laboratories, Mayo Clinic); PubMed 20630673 (cited by Labcorp Genetics (formerly Invitae), Labcorp and Mayo Clinic Laboratories, Mayo Clinic); PubMed 17052934 (cited by 3 submitters); PubMed 18614966 (cited by Labcorp Genetics (formerly Invitae), Labcorp and Mayo Clinic Laboratories, Mayo Clinic); PubMed 20129935 (cited by Mayo Clinic Laboratories, Mayo Clinic and Victorian Clinical Genetics Services, Murdoch Childrens Research Institute); PubMed 23740044 (cited by Mayo Clinic Laboratories, Mayo Clinic); PubMed 29930392 (cited by Mayo Clinic Laboratories, Mayo Clinic and Victorian Clinical Genetics Services, Murdoch Childrens Research Institute); PubMed 33015236 (cited by Mayo Clinic Laboratories, Mayo Clinic and Victorian Clinical Genetics Services, Murdoch Childrens Research Institute); PubMed 36362347 (cited by Mayo Clinic Laboratories, Mayo Clinic); PubMed 18451999 (cited by Victorian Clinical Genetics Services, Murdoch Childrens Research Institute); PubMed 26598494 (cited by Victorian Clinical Genetics Services, Murdoch Childrens Research Institute); PubMed 31196579 (cited by Victorian Clinical Genetics Services, Murdoch Childrens Research Institute); NCBI Bookshelf NBK1430 (cited by GeneReviews).